The following is an entry in ClinVar:

NM_020435.4(GJC2):c.599G>A (p.Gly200Glu)

Gene: GJC2 (gap junction protein gamma 2; plus strand). Cytogenetic location: 1q42.13.
Variant type: single nucleotide variant.
Coding change: c.599G>A on transcript NM_020435.4 (MANE Select); coding-DNA position 599, G replaced by A.
Protein change: p.Gly200Glu; replaces glycine 200 with glutamic acid.
Molecular consequence: missense variant.
Genome position (GRCh38, 1-based): chr1:228,158,357, G>A. VCF-style: chr1-228158357-G-A. GRCh37 (hg19) VCF-style: chr1-228346058-G-A.
Other names: short protein forms G200E.
Identifiers: ClinVar variation 651276 (VCV000651276.8), dbSNP rs747380067, ClinGen allele CA1430886.

ClinVar aggregate classification (germline): Uncertain significance (1 of 4 stars; one submission).

Conditions:
Spastic paraplegia. Identifiers: MedGen C0037772, HP:0001258.

Allele frequency attached by ClinVar (database versions not stated): ExAC 0.00002; gnomAD exomes 0.00002; TOPMed 0.00002.
gnomAD v4.1: 27 of 1,592,052 alleles (0.0017%); highest among the groups gnomAD compares: Non-Finnish European, 0.0022%; no homozygotes.

Submission:

Labcorp Genetics (formerly Invitae), Labcorp
Classification: Uncertain significance for Spastic paraplegia. Last evaluated: 2022-09-09. Review status: criteria provided, single submitter. Criteria: Invitae Variant Classification Sherloc (09022015). Collection method: clinical testing. Allele origin: germline.
Comment: This variant is present in population databases (rs747380067, gnomAD 0.004%). This sequence change replaces glycine, which is neutral and non-polar, with glutamic acid, which is acidic and polar, at codon 200 of the GJC2 protein (p.Gly200Glu). This variant has not been reported in the literature in individuals affected with GJC2-related conditions. In summary, the available evidence is currently insufficient to determine the role of this variant in disease. Therefore, it has been classified as a Variant of Uncertain Significance. Algorithms developed to predict the effect of missense changes on protein structure and function (SIFT, PolyPhen-2, Align-GVGD) all suggest that this variant is likely to be disruptive. ClinVar contains an entry for this variant (Variation ID: 651276).